The following is an entry in ClinVar:

ClinVar aggregate classification (germline): Uncertain significance (1 of 4 stars; one submission).

Conditions:
Inborn genetic diseases. Identifiers: MedGen C0950123, MeSH D030342.

gnomAD v4.1: 3 of 1,612,620 alleles (0.00019%); highest among the groups gnomAD compares: East Asian, 0.0022%; no homozygotes.

Submission:

Ambry Genetics
Classification: Uncertain significance for Inborn genetic diseases. Last evaluated: 2025-03-22. Review status: criteria provided, single submitter. Criteria: Ambry Variant Classification Scheme 2023. Collection method: clinical testing. Allele origin: germline.
Comment: The p.E906G variant (also known as c.2717A>G), located in coding exon 28 of the RTEL1 gene, results from an A to G substitution at nucleotide position 2717. The glutamic acid at codon 906 is replaced by glycine, an amino acid with similar properties. This amino acid position is conserved. In addition, this alteration is predicted to be tolerated by in silico analysis. Based on the available evidence, the clinical significance of this variant remains unclear.

NM_001283009.2(RTEL1):c.2717A>G (p.Glu906Gly)

Genes: RTEL1 (regulator of telomere elongation helicase 1; plus strand), RTEL1-TNFRSF6B (RTEL1-TNFRSF6B readthrough (NMD candidate); plus strand). Cytogenetic location: 20q13.33.
Variant type: single nucleotide variant.
Coding change: c.2717A>G on transcript NM_001283009.2 (MANE Select); coding-DNA position 2717, A replaced by G.
Protein change: p.Glu906Gly; replaces glutamic acid 906 with glycine.
Molecular consequence: missense variant. On other transcripts: non-coding transcript variant (1).
Genome position (GRCh38, 1-based): chr20:63,692,869, A>G. VCF-style: chr20-63692869-A-G. GRCh37 (hg19) VCF-style: chr20-62324222-A-G.
Other names: c.2048A>G, p.Glu683Gly (NM_001283010.1); c.2717A>G, p.Glu906Gly (NM_016434.4); c.2789A>G, p.Glu930Gly (NM_032957.5); short protein forms E906G, E930G, E683G.
Identifiers: ClinVar variation 3948241 (VCV003948241.1).